The following is an entry in ClinVar:

ClinVar aggregate classification (germline): Uncertain significance (1 of 4 stars; one submission).

Conditions:
Cardiovascular phenotype. Identifiers: MedGen CN230736.

Submission:

Ambry Genetics
Classification: Uncertain significance for Cardiovascular phenotype. Last evaluated: 2026-07-11. Review status: criteria provided, single submitter. Criteria: Ambry Variant Classification Scheme 2023. Collection method: clinical testing. Allele origin: germline.
Comment: The p.A171S variant (also known as c.511G>T), located in coding exon 4 of the ABCG8 gene, results from a G to T substitution at nucleotide position 511. The alanine at codon 171 is replaced by serine, an amino acid with similar properties. This amino acid position is conserved. In addition, the in silico prediction for this alteration is inconclusive. Based on the available evidence, the clinical significance of this variant remains unclear.

NM_022437.3(ABCG8):c.511G>T (p.Ala171Ser)

Gene: ABCG8 (ATP binding cassette subfamily G member 8; plus strand). Cytogenetic location: 2p21.
Variant type: single nucleotide variant.
Coding change: c.511G>T on transcript NM_022437.3 (MANE Select); coding-DNA position 511, G replaced by T.
Protein change: p.Ala171Ser; replaces alanine 171 with serine.
Molecular consequence: missense variant.
Genome position (GRCh38, 1-based): chr2:43,851,772, G>T. VCF-style: chr2-43851772-G-T. GRCh37 (hg19) VCF-style: chr2-44078911-G-T.
Other names: c.511G>T, p.Ala171Ser (NM_001357321.2); short protein forms A171S.
Identifiers: ClinVar variation 5027440 (VCV005027440.1).